The following is an entry in ClinVar:

NM_003098.3(SNTA1):c.340A>T (p.Ile114Phe)

Gene: SNTA1 (syntrophin alpha 1; minus strand). Cytogenetic location: 20q11.21.
Variant type: single nucleotide variant.
Coding change: c.340A>T on transcript NM_003098.3 (MANE Select); coding-DNA position 340, A replaced by T.
Protein change: p.Ile114Phe; replaces isoleucine 114 with phenylalanine.
Molecular consequence: missense variant.
Genome position (GRCh38, 1-based): chr20:33,438,997, T>A on the plus strand (A>T on the coding strand, the complement: SNTA1 is on the minus strand). VCF-style: chr20-33438997-T-A. GRCh37 (hg19) VCF-style: chr20-32026803-T-A.
Other names: short protein forms I114F.
Identifiers: ClinVar variation 1731154 (VCV001731154.2), dbSNP rs376756802, ClinGen allele CA9817237.

ClinVar aggregate classification (germline): Uncertain significance (1 of 4 stars; one submission).

Conditions:
Cardiovascular phenotype. Identifiers: MedGen CN230736.

Allele frequency attached by ClinVar (database versions not stated): ExAC 0.00001; gnomAD exomes 0.00001; gnomAD 0.00002; TOPMed 0.00005; ESP Exome Variant Server 0.00008.
gnomAD v4.1: 16 of 1,613,948 alleles (0.00099%); highest among the groups gnomAD compares: Non-Finnish European, 0.0014%; no homozygotes.

Submission:

Ambry Genetics
Classification: Uncertain significance for Cardiovascular phenotype. Last evaluated: 2021-03-12. Review status: criteria provided, single submitter. Criteria: Ambry Variant Classification Scheme 2023. Collection method: clinical testing. Allele origin: germline.
Comment: The p.I114F variant (also known as c.340A>T), located in coding exon 2 of the SNTA1 gene, results from an A to T substitution at nucleotide position 340. The isoleucine at codon 114 is replaced by phenylalanine, an amino acid with highly similar properties. This amino acid position is highly conserved in available vertebrate species. In addition, this alteration is predicted to be deleterious by in silico analysis. Since supporting evidence is limited at this time, the clinical significance of this alteration remains unclear.